The following is an entry in ClinVar:

NM_020693.4(DSCAML1):c.3811G>T (p.Ala1271Ser)

Gene: DSCAML1 (DS cell adhesion molecule like 1; minus strand). Cytogenetic location: 11q23.3.
Variant type: single nucleotide variant.
Coding change: c.3811G>T on transcript NM_020693.4 (MANE Select); coding-DNA position 3811, G replaced by T.
Protein change: p.Ala1271Ser; replaces alanine 1271 with serine.
Molecular consequence: missense variant.
Genome position (GRCh38, 1-based): chr11:117,443,937, C>A on the plus strand (G>T on the coding strand, the complement: DSCAML1 is on the minus strand). VCF-style: chr11-117443937-C-A. GRCh37 (hg19) VCF-style: chr11-117314653-C-A.
Other names: short protein forms A1271S.
Identifiers: ClinVar variation 4711497 (VCV004711497.1).

ClinVar aggregate classification (germline): Uncertain significance (1 of 4 stars; one submission).

gnomAD v4.1: 1 of 1,613,238 alleles (0.000062%); highest among the groups gnomAD compares: Non-Finnish European, 0.000085%; no homozygotes.

Submission:

Labcorp Genetics (formerly Invitae), Labcorp
Classification: Uncertain significance. Last evaluated: 2025-11-08. Review status: criteria provided, single submitter. Criteria: Invitae Variant Classification Sherloc (09022015). Collection method: clinical testing. Allele origin: germline.
Comment: This sequence change replaces alanine, which is neutral and non-polar, with serine, which is neutral and polar, at codon 1331 of the DSCAML1 protein (p.Ala1331Ser). This variant is not present in population databases (gnomAD no frequency). This variant has not been reported in the literature in individuals affected with DSCAML1-related conditions. An algorithm developed to predict the effect of missense changes on protein structure and function (PolyPhen-2) suggests that this variant is likely to be disruptive. In summary, the available evidence is currently insufficient to determine the role of this variant in disease. Therefore, it has been classified as a Variant of Uncertain Significance.